The following is an entry in ClinVar:

NM_004006.3(DMD):c.9807+218C>G

Gene: DMD (dystrophin; minus strand). Cytogenetic location: Xp21.2.
Variant type: single nucleotide variant.
Coding change: c.9807+218C>G on transcript NM_004006.3 (MANE Select); 218 bases into the intron after coding-DNA position 9807, C replaced by G.
Molecular consequence: intron variant.
Genome position (GRCh38, 1-based): chrX:31,203,743, G>C on the plus strand (C>G on the coding strand, the complement: DMD is on the minus strand). VCF-style: chrX-31203743-G-C. GRCh37 (hg19) VCF-style: chrX-31221860-G-C.
Other names: c.9783+218C>G (NM_000109.4); c.5784+218C>G (NM_004011.4); c.5775+218C>G (NM_004012.4); c.2427+218C>G (NM_004023.3, NM_004020.4, NM_004022.3 and 2 more transcripts); c.1620+218C>G (NM_004014.3); c.603+218C>G (NM_004018.3, NM_004017.3, NM_004016.3 and 2 more transcripts); c.9795+218C>G (NM_004009.3); c.9438+218C>G (NM_004010.3).
Identifiers: ClinVar variation 675738 (VCV000675738.1), dbSNP rs5926992, ClinGen allele CA328407651.

ClinVar aggregate classification (germline): Benign (1 of 4 stars; one submission).

Allele frequency attached by ClinVar (database versions not stated): 1000 Genomes Project 0.01351; 1000 Genomes Project 30x 0.01540; TOPMed 0.03008; gnomAD 0.03352 and 0.03472.
gnomAD v4.1: 3,737 of 111,263 alleles (3.4%); highest among the groups gnomAD compares: Non-Finnish European, 5.5%; 83 homozygotes.

Submission:

GeneDx
Classification: Benign. Last evaluated: 2018-06-14. Review status: criteria provided, single submitter. Criteria: GeneDx Variant Classification (06012015). Collection method: clinical testing. Allele origin: germline. Affected: yes.
Comment: This variant is considered likely benign or benign based on one or more of the following criteria: it is a conservative change, it occurs at a poorly conserved position in the protein, it is predicted to be benign by multiple in silico algorithms, and/or has population frequency not consistent with disease.